The following is an entry in ClinVar:

NM_171998.4(RAB39B):c.*1006A>G

Gene: RAB39B (RAB39B, member RAS oncogene family; minus strand). Cytogenetic location: Xq28.
Variant type: single nucleotide variant.
Coding change: c.*1006A>G on transcript NM_171998.4 (MANE Select); 1006 bases downstream of the stop codon, A replaced by G.
Molecular consequence: 3 prime UTR variant.
Genome position (GRCh38, 1-based): chrX:155,259,797, T>C on the plus strand (A>G on the coding strand, the complement: RAB39B is on the minus strand). VCF-style: chrX-155259797-T-C. GRCh37 (hg19) VCF-style: chrX-154489082-T-C.
Identifiers: ClinVar variation 368140 (VCV000368140.5), dbSNP rs138077054, ClinGen allele CA10646080.

ClinVar aggregate classification (germline): Benign (1 of 4 stars; one submission).

Conditions:
Intellectual developmental disorder, X-linked 72. Also called: Intellectual disability, X-linked 72. Identifiers: Orphanet 777, MedGen C1846038, MONDO:0010289, OMIM 300271.

Allele frequency attached by ClinVar (database versions not stated): 1000 Genomes Project 0.00371; gnomAD 0.00682 and 0.00633; 1000 Genomes Project 30x 0.00354; TOPMed 0.00746.

Submission:

Illumina Laboratory Services, Illumina
Classification: Benign for Intellectual developmental disorder, X-linked 72. Last evaluated: 2018-01-12. Review status: criteria provided, single submitter. Criteria: ICSL Variant Classification Criteria 13 December 2019. Collection method: clinical testing. Allele origin: germline.
Comment: This variant was observed in the ICSL laboratory as part of a predisposition screen in an ostensibly healthy population. It had not been previously curated by ICSL or reported in the Human Gene Mutation Database (HGMD: prior to June 1st, 2018), and was therefore a candidate for classification through an automated scoring system. Utilizing variant allele frequency, disease prevalence and penetrance estimates, and inheritance mode, an automated score was calculated to assess if this variant is too frequent to cause the disease. Based on the score and internal cut-off values, a variant classified as benign is not then subjected to further curation. The score for this variant resulted in a classification of benign for this disease.